The following is an entry in ClinVar:

NM_001613.4(ACTA2):c.412A>G (p.Ile138Val)

Gene: ACTA2 (actin alpha 2, smooth muscle; minus strand). Cytogenetic location: 10q23.31.
Variant type: single nucleotide variant.
Coding change: c.412A>G on transcript NM_001613.4 (MANE Select); coding-DNA position 412, A replaced by G.
Protein change: p.Ile138Val; replaces isoleucine 138 with valine.
Molecular consequence: missense variant.
Genome position (GRCh38, 1-based): chr10:88,941,827, T>C on the plus strand (A>G on the coding strand, the complement: ACTA2 is on the minus strand). VCF-style: chr10-88941827-T-C. GRCh37 (hg19) VCF-style: chr10-90701584-T-C.
Other names: c.412A>G, p.Ile138Val (NM_001141945.3, NM_001320855.2, NM_001406462.1 and 3 more transcripts); c.301A>G, p.Ile101Val (NM_001406466.1); c.283A>G, p.Ile95Val (NM_001406467.1, NM_001406468.1, NM_001406469.1); short protein forms I138V, I101V, I95V.
Identifiers: ClinVar variation 2008086 (VCV002008086.4), dbSNP rs2494542625, ClinGen allele CA377512486.

ClinVar aggregate classification (germline): Uncertain significance (1 of 4 stars; one submission).

Conditions:
Aortic aneurysm, familial thoracic 6 (AAT6). Also called: FAMILIAL THORACIC AORTIC ANEURYSM WITH LIVEDO RETICULARIS AND IRIS FLOCCULI. Identifiers: MedGen C2673186, MONDO:0012730, OMIM 611788.

Submission:

Labcorp Genetics (formerly Invitae), Labcorp
Classification: Uncertain significance for Aortic aneurysm, familial thoracic 6. Last evaluated: 2022-06-18. Review status: criteria provided, single submitter. Criteria: Invitae Variant Classification Sherloc (09022015). Collection method: clinical testing. Allele origin: germline.
Comment: In summary, the available evidence is currently insufficient to determine the role of this variant in disease. Therefore, it has been classified as a Variant of Uncertain Significance. Algorithms developed to predict the effect of missense changes on protein structure and function (SIFT, PolyPhen-2, Align-GVGD) all suggest that this variant is likely to be disruptive. This variant has not been reported in the literature in individuals affected with ACTA2-related conditions. This variant is not present in population databases (gnomAD no frequency). This sequence change replaces isoleucine, which is neutral and non-polar, with valine, which is neutral and non-polar, at codon 138 of the ACTA2 protein (p.Ile138Val).